The following is an entry in ClinVar:

NM_001005242.3(PKP2):c.51G>C (p.Leu17=)

Gene: PKP2 (plakophilin 2; minus strand). Cytogenetic location: 12p11.21.
Variant type: single nucleotide variant.
Coding change: c.51G>C on transcript NM_001005242.3 (MANE Select); coding-DNA position 51, G replaced by C.
Protein change: p.Leu17=; no amino-acid change (leucine 17 retained).
Molecular consequence: synonymous variant.
Genome position (GRCh38, 1-based): chr12:32,896,681, C>G on the plus strand (G>C on the coding strand, the complement: PKP2 is on the minus strand). VCF-style: chr12-32896681-C-G. GRCh37 (hg19) VCF-style: chr12-33049615-C-G.
Other names: c.51G>C, p.Leu17= (NM_004572.4).
Identifiers: ClinVar variation 1332453 (VCV001332453.3), dbSNP rs1251253044, ClinGen allele CA479175952.

ClinVar aggregate classification (germline): Likely benign. Review status: criteria provided, multiple submitters, no conflicts (2 of 4 stars). 2 submissions from 2 submitters: Likely benign (2). Last evaluated 2024-02-05.

Conditions:
Arrhythmogenic right ventricular cardiomyopathy (ARVD). Also called: Cardiomyopathy, ARVC; Arrhythmogenic right ventricular dysplasia; Arrhythmogenic Right Ventricular Cardiomyopathy (ARVC); Arrhythmogenic cardiomyopathy. Identifiers: Orphanet 247, MedGen C0349788, MeSH D019571, MONDO:0016587. Disease mechanism: loss of function. Inheritance: Various modes of inheritance.
Cardiomyopathy (CMYO). Also called: Cardiomyopathies. Identifiers: Orphanet 167848, MedGen C0878544, MONDO:0004994, HP:0001638. Inheritance: Various modes of inheritance.

Allele frequency attached by ClinVar (database versions not stated): gnomAD exomes below 0.00001; TOPMed below 0.00001.
gnomAD v4.1: 1 of 1,544,614 alleles (0.000065%); highest among the groups gnomAD compares: Non-Finnish European, 0.000087%; no homozygotes.

Submissions (2):

All of Us Research Program, National Institutes of Health
Classification: Likely benign for Arrhythmogenic right ventricular cardiomyopathy. Last evaluated: 2024-02-05. Review status: criteria provided, single submitter. Criteria: ACMG Guidelines, 2015. Collection method: clinical testing. Allele origin: germline. Inheritance: Autosomal dominant inheritance. Observed: 1 variant allele, 1 heterozygote.
Comment: This study involves interpretation of variants in research participants for the purpose of population health screening. Participant phenotype was not available at the time of variant classification. Additional details can be found in publication PMID: 35346344, PMCID: PMC8962531

Color Diagnostics, LLC DBA Color Health
Classification: Likely benign for Cardiomyopathy. Last evaluated: 2021-04-14. Review status: criteria provided, single submitter. Criteria: ACMG Guidelines, 2015. Collection method: clinical testing. Allele origin: germline.